The following is an entry in ClinVar:

ClinVar aggregate classification (germline): Uncertain significance (1 of 4 stars; one submission).

Submission:

Labcorp Genetics (formerly Invitae), Labcorp
Classification: Uncertain significance. Last evaluated: 2024-01-19. Review status: criteria provided, single submitter. Criteria: Invitae Variant Classification Sherloc (09022015). Collection method: clinical testing. Allele origin: germline.
Comment: This sequence change falls in intron 7 of the CLCN7 gene. It does not directly change the encoded amino acid sequence of the CLCN7 protein. It affects a nucleotide within the consensus splice site. This variant is not present in population databases (gnomAD no frequency). This variant has not been reported in the literature in individuals affected with CLCN7-related conditions. Variants that disrupt the consensus splice site are a relatively common cause of aberrant splicing (PMID: 17576681, 9536098). Algorithms developed to predict the effect of sequence changes on RNA splicing suggest that this variant is not likely to affect RNA splicing. In summary, the available evidence is currently insufficient to determine the role of this variant in disease. Therefore, it has been classified as a Variant of Uncertain Significance.

Literature cited by the submitters: PubMed 17576681; PubMed 9536098.

NM_001287.6(CLCN7):c.675+6G>C

Gene: CLCN7 (chloride voltage-gated channel 7; minus strand). Cytogenetic location: 16p13.3.
Variant type: single nucleotide variant.
Coding change: c.675+6G>C on transcript NM_001287.6 (MANE Select); 6 bases into the intron after coding-DNA position 675, G replaced by C.
Molecular consequence: intron variant.
Genome position (GRCh38, 1-based): chr16:1,459,101, C>G on the plus strand (G>C on the coding strand, the complement: CLCN7 is on the minus strand). VCF-style: chr16-1459101-C-G. GRCh37 (hg19) VCF-style: chr16-1509102-C-G.
Other names: c.603+6G>C (NM_001114331.3).
Identifiers: ClinVar variation 2708781 (VCV002708781.3), dbSNP rs2505840186, ClinGen allele CA2697549515.